The following is an entry in ClinVar:

NM_000179.3(MSH6):c.2519G>C (p.Ser840Thr)

Gene: MSH6 (mutS homolog 6; plus strand). Cytogenetic location: 2p16.3.
Variant type: single nucleotide variant.
Coding change: c.2519G>C on transcript NM_000179.3 (MANE Select); coding-DNA position 2519, G replaced by C.
Protein change: p.Ser840Thr; replaces serine 840 with threonine.
Molecular consequence: missense variant.
Genome position (GRCh38, 1-based): chr2:47,800,502, G>C. VCF-style: chr2-47800502-G-C. GRCh37 (hg19) VCF-style: chr2-48027641-G-C.
Other names: c.2129G>C, p.Ser710Thr (NM_001281492.2); c.1613G>C, p.Ser538Thr (NM_001281493.2, NM_001281494.2); short protein forms S840T, S710T, S538T.
Identifiers: ClinVar variation 483865 (VCV000483865.9), dbSNP rs1553413873, ClinGen allele CA346754361.

ClinVar aggregate classification (germline): Uncertain significance. Review status: criteria provided, multiple submitters, no conflicts (2 of 4 stars). 3 submissions from 3 submitters: Uncertain significance (3). Last evaluated 2026-01-05.

Conditions:
Hereditary cancer-predisposing syndrome. Also called: Neoplastic Syndromes, Hereditary; Tumor predisposition; Hereditary Cancer Syndrome; Hereditary neoplastic syndrome. Identifiers: Orphanet 140162, MedGen C0027672, MeSH D009386, MONDO:0015356.
Hereditary nonpolyposis colorectal neoplasms. Identifiers: MedGen C0009405, MeSH D003123.

Submissions (3):

Labcorp Genetics (formerly Invitae), Labcorp
Classification: Uncertain significance for Hereditary nonpolyposis colorectal neoplasms. Last evaluated: 2026-01-05. Review status: criteria provided, single submitter. Criteria: Invitae Variant Classification Sherloc (09022015). Collection method: clinical testing. Allele origin: germline.
Comment: This sequence change replaces serine, which is neutral and polar, with threonine, which is neutral and polar, at codon 840 of the MSH6 protein (p.Ser840Thr). This variant is not present in population databases (gnomAD no frequency). This variant has not been reported in the literature in individuals affected with MSH6-related conditions. ClinVar contains an entry for this variant (Variation ID: 483865). Invitae Evidence Modeling of protein sequence and biophysical properties (such as structural, functional, and spatial information, amino acid conservation, physicochemical variation, residue mobility, and thermodynamic stability) indicates that this missense variant is not expected to disrupt MSH6 protein function with a negative predictive value of 95%. In summary, the available evidence is currently insufficient to determine the role of this variant in disease. Therefore, it has been classified as a Variant of Uncertain Significance.

Ambry Genetics
Classification: Uncertain significance for Hereditary cancer-predisposing syndrome. Last evaluated: 2025-10-28. Review status: criteria provided, single submitter. Criteria: Ambry Variant Classification Scheme 2023. Collection method: clinical testing. Allele origin: germline.
Comment: The p.S840T variant (also known as c.2519G>C), located in coding exon 4 of the MSH6 gene, results from a G to C substitution at nucleotide position 2519. The serine at codon 840 is replaced by threonine, an amino acid with similar properties. This amino acid position is well conserved in available vertebrate species. In addition, the in silico prediction for this alteration is inconclusive. Since supporting evidence is limited at this time, the clinical significance of this alteration remains unclear.

Quest Diagnostics Nichols Institute San Juan Capistrano
Classification: Uncertain significance. Last evaluated: 2023-08-25. Review status: criteria provided, single submitter. Criteria: Quest Diagnostics criteria. Collection method: clinical testing. Allele origin: unknown.
Comment: This variant has not been reported in the published literature. It also has not been reported in large, multi-ethnic general populations (Genome Aggregation Database). Analysis of this variant using bioinformatics tools for the prediction of the effect of amino acid changes on protein structure and function yielded predictions that this variant is benign. Based on the available information, we are unable to determine the clinical significance of this variant.